The following is an entry in ClinVar:

NM_005732.4(RAD50):c.3694G>A (p.Glu1232Lys)

Genes: TH2-LCR (Th2 cytokine locus control region; plus strand), TH2LCRR (T helper type 2 locus control region associated RNA; minus strand), RAD50 (RAD50 double strand break repair protein; plus strand). Cytogenetic location: 5q31.1.
Variant type: single nucleotide variant.
Coding change: c.3694G>A on transcript NM_005732.4 (MANE Select); coding-DNA position 3694, G replaced by A.
Protein change: p.Glu1232Lys; replaces glutamic acid 1232 with lysine.
Molecular consequence: missense variant.
Genome position (GRCh38, 1-based): chr5:132,640,747, G>A. VCF-style: chr5-132640747-G-A. GRCh37 (hg19) VCF-style: chr5-131976439-G-A.
Other names: short protein forms E1232K.
Identifiers: ClinVar variation 233427 (VCV000233427.13), dbSNP rs876660400, ClinGen allele CA10578614.

ClinVar aggregate classification (germline): Uncertain significance. Review status: criteria provided, multiple submitters, no conflicts (2 of 4 stars). 2 submissions from 2 submitters: Uncertain significance (2). Last evaluated 2022-07-19.

Conditions:
Hereditary cancer-predisposing syndrome. Also called: Neoplastic Syndromes, Hereditary; Tumor predisposition; Hereditary Cancer Syndrome; Hereditary neoplastic syndrome. Identifiers: Orphanet 140162, MedGen C0027672, MeSH D009386, MONDO:0015356.

Submissions (2):

Labcorp Genetics (formerly Invitae), Labcorp
Classification: Uncertain significance for Hereditary cancer-predisposing syndrome. Last evaluated: 2022-07-19. Review status: criteria provided, single submitter. Criteria: Invitae Variant Classification Sherloc (09022015). Collection method: clinical testing. Allele origin: germline.
Comment: This sequence change replaces glutamic acid, which is acidic and polar, with lysine, which is basic and polar, at codon 1232 of the RAD50 protein (p.Glu1232Lys). This variant is not present in population databases (gnomAD no frequency). This variant has not been reported in the literature in individuals affected with RAD50-related conditions. ClinVar contains an entry for this variant (Variation ID: 233427). Algorithms developed to predict the effect of missense changes on protein structure and function are either unavailable or do not agree on the potential impact of this missense change (SIFT: "Deleterious"; PolyPhen-2: "Probably Damaging"; Align-GVGD: "Class C0"). In summary, the available evidence is currently insufficient to determine the role of this variant in disease. Therefore, it has been classified as a Variant of Uncertain Significance.

Ambry Genetics
Classification: Uncertain significance for Hereditary cancer-predisposing syndrome. Last evaluated: 2015-08-17. Review status: criteria provided, single submitter. Criteria: Ambry Variant Classification Scheme 2023. Collection method: clinical testing. Allele origin: germline.
Comment: The p.E1232K variant (also known as c.3694G>A), located in coding exon 24 of the RAD50 gene, results from a G to A substitution at nucleotide position 3694. The glutamic acid at codon 1232 is replaced by lysine, an amino acid with similar properties. This variant was not reported in population based cohorts in the following databases: Database of Single Nucleotide Polymorphisms (dbSNP), NHLBI Exome Sequencing Project (ESP), and 1000 Genomes Project. In the ESP, this variant was not observed in 6503 samples (13006 alleles) with coverage at this position. To date, this alteration has been detected with an allele frequency of approximately 0.002% (greater than 65000 alleles tested) in our clinical cohort. This amino acid position is highly conserved in available vertebrate species. In addition, this alteration is predicted to be deleterious by in silico analysis. Since supporting evidence is limited at this time, the clinical significance of p.E1232K remains unclear.